The following is an entry in ClinVar:

ClinVar aggregate classification (germline): Conflicting classifications of pathogenicity. Review status: criteria provided, conflicting classifications (1 of 4 stars). 2 submissions from 2 submitters: Uncertain significance (1); Likely benign (1). Last evaluated 2025-06-12.

Conditions:
Cardiovascular phenotype. Identifiers: MedGen CN230736.

Allele frequency attached by ClinVar (database versions not stated): TOPMed below 0.00001; gnomAD 0.00001.
gnomAD v4.1: 14 of 1,603,670 alleles (0.00087%); highest among the groups gnomAD compares: Non-Finnish European, 0.0011%; no homozygotes.

Submissions (2):

Ambry Genetics
Classification: Likely benign for Cardiovascular phenotype. Last evaluated: 2025-06-12. Review status: criteria provided, single submitter. Criteria: Ambry Variant Classification Scheme 2023. Collection method: clinical testing. Allele origin: germline.

Labcorp Genetics (formerly Invitae), Labcorp
Classification: Uncertain significance. Last evaluated: 2025-06-01. Review status: criteria provided, single submitter. Criteria: Invitae Variant Classification Sherloc (09022015). Collection method: clinical testing. Allele origin: germline.
Comment: This sequence change replaces arginine, which is basic and polar, with leucine, which is neutral and non-polar, at codon 105 of the LOX protein (p.Arg105Leu). The frequency data for this variant in the population databases is considered unreliable, as metrics indicate poor data quality at this position in the gnomAD database. This variant has not been reported in the literature in individuals affected with LOX-related conditions. ClinVar contains an entry for this variant (Variation ID: 1728179). Invitae Evidence Modeling of protein sequence and biophysical properties (such as structural, functional, and spatial information, amino acid conservation, physicochemical variation, residue mobility, and thermodynamic stability) indicates that this missense variant is not expected to disrupt LOX protein function with a negative predictive value of 95%. In summary, the available evidence is currently insufficient to determine the role of this variant in disease. Therefore, it has been classified as a Variant of Uncertain Significance.

NM_002317.7(LOX):c.314G>T (p.Arg105Leu)

Genes: LOX (lysyl oxidase; minus strand), SRFBP1 (serum response factor binding protein 1; plus strand). Cytogenetic location: 5q23.1.
Variant type: single nucleotide variant.
Coding change: c.314G>T on transcript NM_002317.7 (MANE Select); coding-DNA position 314, G replaced by T.
Protein change: p.Arg105Leu; replaces arginine 105 with leucine.
Molecular consequence: missense variant.
Genome position (GRCh38, 1-based): chr5:122,077,672, C>A on the plus strand (G>T on the coding strand, the complement: LOX is on the minus strand). VCF-style: chr5-122077672-C-A. GRCh37 (hg19) VCF-style: chr5-121413367-C-A.
Other names: short protein forms R105L.
Identifiers: ClinVar variation 1728179 (VCV001728179.6), dbSNP rs1407044026, ClinGen allele CA360876948.